The following is an entry in ClinVar:

NM_001384140.1(PCDH15):c.710G>A (p.Arg237His)

Gene: PCDH15 (protocadherin related 15; minus strand). Cytogenetic location: 10q21.1.
Variant type: single nucleotide variant.
Coding change: c.710G>A on transcript NM_001384140.1 (MANE Select); coding-DNA position 710, G replaced by A.
Protein change: p.Arg237His; replaces arginine 237 with histidine.
Molecular consequence: missense variant.
Genome position (GRCh38, 1-based): chr10:54,317,437, C>T on the plus strand (G>A on the coding strand, the complement: PCDH15 is on the minus strand). VCF-style: chr10-54317437-C-T. GRCh37 (hg19) VCF-style: chr10-56077197-C-T.
Other names: c.725G>A, p.Arg242His (NM_001142763.2, NM_001142769.4, NM_001142771.2); c.710G>A, p.Arg237His (NM_001142764.2, NM_001142765.2, NM_001142766.2 and 7 more transcripts); c.599G>A, p.Arg200His (NM_001142767.2); c.644G>A, p.Arg215His (NM_001142768.2, NM_001142773.2, NM_001354404.2); short protein forms R200H, R215H, R242H, R237H.
Identifiers: ClinVar variation 2168014 (VCV002168014.1), dbSNP rs372999067, ClinGen allele CA5506604.

ClinVar aggregate classification (germline): Uncertain significance (1 of 4 stars; one submission).

Allele frequency attached by ClinVar (database versions not stated): ExAC 0.00003; ESP Exome Variant Server 0.00008.
gnomAD v4.1: 36 of 1,613,516 alleles (0.0022%); highest among the groups gnomAD compares: Admixed American, 0.0083%; no homozygotes.

Submission:

Labcorp Genetics (formerly Invitae), Labcorp
Classification: Uncertain significance. Last evaluated: 2022-07-06. Review status: criteria provided, single submitter. Criteria: Invitae Variant Classification Sherloc (09022015). Collection method: clinical testing. Allele origin: germline.
Comment: This sequence change replaces arginine, which is basic and polar, with histidine, which is basic and polar, at codon 237 of the PCDH15 protein (p.Arg237His). This variant is present in population databases (rs372999067, gnomAD 0.01%). This variant has not been reported in the literature in individuals affected with PCDH15-related conditions. Algorithms developed to predict the effect of missense changes on protein structure and function are either unavailable or do not agree on the potential impact of this missense change (SIFT: "Deleterious"; PolyPhen-2: "Probably Damaging"; Align-GVGD: "Class C0"). In summary, the available evidence is currently insufficient to determine the role of this variant in disease. Therefore, it has been classified as a Variant of Uncertain Significance.